The following is an entry in ClinVar:

NM_001458.5(FLNC):c.2716T>A (p.Phe906Ile)

Gene: FLNC (filamin C; plus strand). Cytogenetic location: 7q32.1.
Variant type: single nucleotide variant.
Coding change: c.2716T>A on transcript NM_001458.5 (MANE Select); coding-DNA position 2716, T replaced by A.
Protein change: p.Phe906Ile; replaces phenylalanine 906 with isoleucine.
Molecular consequence: missense variant.
Genome position (GRCh38, 1-based): chr7:128,843,482, T>A. VCF-style: chr7-128843482-T-A. GRCh37 (hg19) VCF-style: chr7-128483536-T-A.
Other names: c.2716T>A, p.Phe906Ile (NM_001127487.2); short protein forms F906I.
Identifiers: ClinVar variation 3375550 (VCV003375550.2).

ClinVar aggregate classification (germline): Uncertain significance. Review status: criteria provided, multiple submitters, no conflicts (2 of 4 stars). 2 submissions from 2 submitters: Uncertain significance (2). Last evaluated 2026-02-19.

Conditions:
Cardiovascular phenotype. Identifiers: MedGen CN230736.

Submissions (2):

Ambry Genetics
Classification: Uncertain significance for Cardiovascular phenotype. Last evaluated: 2026-02-19. Review status: criteria provided, single submitter. Criteria: Ambry Variant Classification Scheme 2023. Collection method: clinical testing. Allele origin: germline.
Comment: The p.F906I variant (also known as c.2716T>A), located in coding exon 18 of the FLNC gene, results from a T to A substitution at nucleotide position 2716. The phenylalanine at codon 906 is replaced by isoleucine, an amino acid with highly similar properties. This amino acid position is highly conserved in available vertebrate species. In addition, the in silico prediction for this alteration is inconclusive. Based on the available evidence, the clinical significance of this variant remains unclear.

GeneDx
Classification: Uncertain significance. Last evaluated: 2024-05-08. Review status: criteria provided, single submitter. Criteria: GeneDx Variant Classification Process June 2021. Collection method: clinical testing. Allele origin: germline. Affected: yes.
Comment: Has not been previously published as pathogenic or benign to our knowledge; Not observed at significant frequency in large population cohorts (gnomAD); In silico analysis supports that this missense variant has a deleterious effect on protein structure/function